The following is an entry in ClinVar:

ClinVar aggregate classification (germline): Uncertain significance (1 of 4 stars; one submission).

Submission:

Ambry Genetics
Classification: Uncertain significance. Last evaluated: 2024-09-13. Review status: criteria provided, single submitter. Criteria: Ambry Variant Classification Scheme 2023. Collection method: clinical testing. Allele origin: germline.
Comment: The p.D379E variant (also known as c.1137T>A), located in coding exon 9 of the RECQL gene, results from a T to A substitution at nucleotide position 1137. The aspartic acid at codon 379 is replaced by glutamic acid, an amino acid with highly similar properties. This amino acid position is conserved. In addition, this alteration is predicted to be deleterious by in silico analysis. Based on the available evidence, the clinical significance of this variant remains unclear.

NM_002907.4(RECQL):c.1137T>A (p.Asp379Glu)

Gene: RECQL (RecQ like helicase; minus strand). Cytogenetic location: 12p12.1.
Variant type: single nucleotide variant.
Coding change: c.1137T>A on transcript NM_002907.4 (MANE Select); coding-DNA position 1137, T replaced by A.
Protein change: p.Asp379Glu; replaces aspartic acid 379 with glutamic acid.
Molecular consequence: missense variant.
Genome position (GRCh38, 1-based): chr12:21,475,547, A>T on the plus strand (T>A on the coding strand, the complement: RECQL is on the minus strand). VCF-style: chr12-21475547-A-T. GRCh37 (hg19) VCF-style: chr12-21628481-A-T.
Other names: c.1137T>A, p.Asp379Glu (NM_032941.3); short protein forms D379E.
Identifiers: ClinVar variation 3431797 (VCV003431797.1).